The following is an entry in ClinVar:

ClinVar aggregate classification (germline): Uncertain significance (1 of 4 stars; one submission).

Allele frequency attached by ClinVar (database versions not stated): TOPMed below 0.00001; ExAC 0.00003.
gnomAD v4.1: 7 of 1,609,328 alleles (0.00043%); highest among the groups gnomAD compares: Non-Finnish European, 0.00051%; no homozygotes.

Submission:

CeGaT Center for Human Genetics Tuebingen
Classification: Uncertain significance. Last evaluated: 2023-10-01. Review status: criteria provided, single submitter. Criteria: CeGaT Center For Human Genetics Tuebingen Variant Classification Criteria Version 2. Collection method: clinical testing. Allele origin: germline. Affected: yes. Observed: 1 variant allele.
Comment: STX1B: PP2

NM_052874.5(STX1B):c.334C>A (p.Leu112Met)

Gene: STX1B (syntaxin 1B; minus strand). Cytogenetic location: 16p11.2.
Variant type: single nucleotide variant.
Coding change: c.334C>A on transcript NM_052874.5 (MANE Select); coding-DNA position 334, C replaced by A.
Protein change: p.Leu112Met; replaces leucine 112 with methionine.
Molecular consequence: missense variant.
Genome position (GRCh38, 1-based): chr16:30,997,522, G>T on the plus strand (C>A on the coding strand, the complement: STX1B is on the minus strand). VCF-style: chr16-30997522-G-T. GRCh37 (hg19) VCF-style: chr16-31008843-G-T.
Other names: short protein forms L112M.
Identifiers: ClinVar variation 2646462 (VCV002646462.24), dbSNP rs764669888, ClinGen allele CA8018403.